The following is an entry in ClinVar:

NM_182961.4(SYNE1):c.26001+4A>G

Gene: SYNE1 (spectrin repeat containing nuclear envelope protein 1; minus strand). Cytogenetic location: 6q25.2.
Variant type: single nucleotide variant.
Coding change: c.26001+4A>G on transcript NM_182961.4 (MANE Select); 4 bases into the intron after coding-DNA position 26001, A replaced by G.
Molecular consequence: intron variant.
Genome position (GRCh38, 1-based): chr6:152,133,272, T>C on the plus strand (A>G on the coding strand, the complement: SYNE1 is on the minus strand). VCF-style: chr6-152133272-T-C. GRCh37 (hg19) VCF-style: chr6-152454407-T-C.
Other names: c.25857+4A>G (NM_033071.5); c.2607+4A>G (NM_001347701.2); c.2535+4A>G (NM_001347702.2).
Identifiers: ClinVar variation 471039 (VCV000471039.5), dbSNP rs746958913, ClinGen allele CA4052705.

ClinVar aggregate classification (germline): Uncertain significance (1 of 4 stars; one submission).

Conditions:
Emery-Dreifuss muscular dystrophy 4, autosomal dominant (EDMD4). Also called: EMERY-DREIFUSS MUSCULAR DYSTROPHY 4 WITH VARIABLE FEATURES. Identifiers: Orphanet 261, MedGen C2751807, MONDO:0013071, OMIM 612998.
Autosomal recessive ataxia, Beauce type. Also called: SYNE1-Related Autosomal Recessive Cerebellar Ataxia; Spinocerebellar ataxia, autosomal recessive 8; ATAXIA, RECESSIVE, OF BEAUCE; SYNE1 Deficiency. Identifiers: Orphanet 88644, MedGen C1853116, MONDO:0012549, OMIM 610743.

Allele frequency attached by ClinVar (database versions not stated): gnomAD 0.00001 and 0.00002; gnomAD exomes 0.00001; TOPMed 0.00001; ExAC 0.00002.
gnomAD v4.1: 12 of 1,613,812 alleles (0.00074%); highest among the groups gnomAD compares: Middle Eastern, 0.033%; 1 homozygote.

Submissions (2):

Labcorp Genetics (formerly Invitae), Labcorp
Classification: Uncertain significance for Emery-Dreifuss muscular dystrophy 4, autosomal dominant; Autosomal recessive ataxia, Beauce type. Last evaluated: 2022-03-10. Review status: criteria provided, single submitter. Criteria: Invitae Variant Classification Sherloc (09022015). Collection method: clinical testing. Allele origin: germline.
Comment: In summary, the available evidence is currently insufficient to determine the role of this variant in disease. Therefore, it has been classified as a Variant of Uncertain Significance. Variants that disrupt the consensus splice site are a relatively common cause of aberrant splicing (PMID: 17576681, 9536098). Algorithms developed to predict the effect of sequence changes on RNA splicing suggest that this variant may create or strengthen a splice site. ClinVar contains an entry for this variant (Variation ID: 471039). This variant has not been reported in the literature in individuals affected with SYNE1-related conditions. This variant is present in population databases (rs746958913, gnomAD 0.003%). This sequence change falls in intron 143 of the SYNE1 gene. It does not directly change the encoded amino acid sequence of the SYNE1 protein. It affects a nucleotide within the consensus splice site.

Dr. Peter K. Rogan Lab, Western University
No classification provided (evidence only). Condition: Thymoma. Review status: no classification provided. Collection method: in vitro. Allele origin: not applicable. Functional consequence: skipped exon. Not counted in ClinVar's aggregate classification.

Literature cited by the submitters: PubMed 17576681 (cited by Labcorp Genetics (formerly Invitae), Labcorp); PubMed 9536098 (cited by Labcorp Genetics (formerly Invitae), Labcorp).